The following is an entry in ClinVar:

ClinVar aggregate classification (germline): Pathogenic/Likely pathogenic. Review status: criteria provided, multiple submitters, no conflicts (2 of 4 stars). 5 submissions from 5 submitters: Pathogenic (3); Likely pathogenic (2). Last evaluated 2026-02-01.

Conditions:
Wilson disease (WND). Also called: Wilson's disease. Identifiers: Orphanet 905, MedGen C0019202, MONDO:0010200, OMIM 277900. Disease mechanism: loss of function.

Submissions (5):

CeGaT Center for Human Genetics Tuebingen
Classification: Likely pathogenic. Last evaluated: 2026-02-01. Review status: criteria provided, single submitter. Criteria: CeGaT Center For Human Genetics Tuebingen Variant Classification Criteria Version 2. Collection method: clinical testing. Allele origin: germline. Affected: yes. Observed: 3 variant alleles.
Comment: ATP7B: PM2, PM3, PVS1:Moderate, PP4

Labcorp Genetics (formerly Invitae), Labcorp
Classification: Pathogenic for Wilson disease. Last evaluated: 2025-07-07. Review status: criteria provided, single submitter. Criteria: Invitae Variant Classification Sherloc (09022015). Collection method: clinical testing. Allele origin: germline.
Comment: This sequence change creates a premature translational stop signal (p.Glu1382*) in the ATP7B gene. While this is not anticipated to result in nonsense mediated decay, it is expected to disrupt the last 84 amino acid(s) of the ATP7B protein. This variant is not present in population databases (gnomAD no frequency). This premature translational stop signal has been observed in individual(s) with autosomal recessive Wilson disease (PMID: 34400371). ClinVar contains an entry for this variant (Variation ID: 1162217). Algorithms developed to predict the effect of sequence changes on RNA splicing suggest that this variant may disrupt the consensus splice site. This variant disrupts a region of the ATP7B protein in which other variant(s) (p.Arg1459Glyfs*2) have been determined to be pathogenic (PMID: 26799313). This suggests that this is a clinically significant region of the protein, and that variants that disrupt it are likely to be disease-causing. For these reasons, this variant has been classified as Pathogenic.

All of Us Research Program, National Institutes of Health
Classification: Likely pathogenic for Wilson disease. Last evaluated: 2023-04-27. Review status: criteria provided, single submitter. Criteria: ACMG Guidelines, 2015. Collection method: clinical testing. Allele origin: germline. Inheritance: Autosomal recessive inheritance. Observed: 1 variant allele, 1 heterozygote.
Comment: This study involves interpretation of variants in research participants for the purpose of population health screening. Participant phenotype was not available at the time of variant classification. Additional details can be found in publication PMID: 35346344, PMCID: PMC8962531

Genome-Nilou Lab
Classification: Pathogenic for Wilson disease. Last evaluated: 2021-08-10. Review status: criteria provided, single submitter. Criteria: ACMG Guidelines, 2015. Collection method: clinical testing. Allele origin: germline. Affected: no.

Inborn Errors of Metabolism Laboratory, Hospices Civils de Lyon
Classification: Pathogenic for Wilson disease. Last evaluated: 2021-06-01. Review status: criteria provided, single submitter. Criteria: ACMG Guidelines, 2015. Collection method: clinical testing. Allele origin: germline. Affected: yes. Observed: 2 variant alleles.

Literature cited by the submitters: PubMed 34400371 (cited by Labcorp Genetics (formerly Invitae), Labcorp); PubMed 26799313 (cited by Labcorp Genetics (formerly Invitae), Labcorp).

NM_000053.4(ATP7B):c.4144G>T (p.Glu1382Ter)

Gene: ATP7B (ATPase copper transporting beta; minus strand). Cytogenetic location: 13q14.3.
Variant type: single nucleotide variant.
Coding change: c.4144G>T on transcript NM_000053.4 (MANE Select); coding-DNA position 4144, G replaced by T.
Protein change: p.Glu1382Ter; replaces glutamic acid 1382 with a stop codon.
Molecular consequence: nonsense.
Genome position (GRCh38, 1-based): chr13:51,935,010, C>A on the plus strand (G>T on the coding strand, the complement: ATP7B is on the minus strand). VCF-style: chr13-51935010-C-A. GRCh37 (hg19) VCF-style: chr13-52509146-C-A.
Other names: c.3523G>T, p.Glu1175Ter (NM_001005918.3); c.3811G>T, p.Glu1271Ter (NM_001243182.2); c.3910G>T, p.Glu1304Ter (NM_001330578.2); c.3892G>T, p.Glu1298Ter (NM_001330579.2); short protein forms E1175*, E1271*, E1298*, E1304*, E1382*.
Identifiers: ClinVar variation 1162217 (VCV001162217.26), dbSNP rs2138414735, ClinGen allele CA388019785.